The following is an entry in ClinVar:

NM_153704.6(TMEM67):c.2087T>C (p.Leu696Pro)

Gene: TMEM67 (transmembrane protein 67; plus strand). Cytogenetic location: 8q22.1.
Variant type: single nucleotide variant.
Coding change: c.2087T>C on transcript NM_153704.6 (MANE Select); coding-DNA position 2087, T replaced by C.
Protein change: p.Leu696Pro; replaces leucine 696 with proline.
Molecular consequence: missense variant. On other transcripts: non-coding transcript variant (1).
Genome position (GRCh38, 1-based): chr8:93,797,457, T>C. VCF-style: chr8-93797457-T-C. GRCh37 (hg19) VCF-style: chr8-94809685-T-C.
Other names: c.1844T>C, p.Leu615Pro (NM_001142301.1); c.2087T>C (NM_153704.5); short protein forms L615P, L696P.
Identifiers: ClinVar variation 1073371 (VCV001073371.12), dbSNP rs2130735817, ClinGen allele CA371694104.

ClinVar aggregate classification (germline): Conflicting classifications of pathogenicity. Review status: criteria provided, conflicting classifications (1 of 4 stars). 2 submissions from 2 submitters: Pathogenic (1); Uncertain significance (1). Last evaluated 2026-04-21.

Conditions:
TMEM67-related disorder. Also called: TMEM67-related disorders; TMEM67-related condition. Identifiers: MedGen CN239423.
Meckel-Gruber syndrome. Also called: Dysencephalia splachnocystica; DYSENCEPHALIA SPLANCHNOCYSTICA; GRUBER SYNDROME. Identifiers: Orphanet 564, MedGen C0265215, MONDO:0018921.
Joubert syndrome. Also called: JOUBERT-BOLTSHAUSER SYNDROME; Familial aplasia of the vermis. Identifiers: Orphanet 475, MedGen C5979921, MONDO:0018772.

Allele frequency attached by ClinVar (database versions not stated): gnomAD exomes below 0.00001.
gnomAD v4.1: 2 of 1,613,792 alleles (0.00012%); highest among the groups gnomAD compares: Non-Finnish European, 0.00017%; no homozygotes.

Submissions (2):

PreventionGenetics, part of Exact Sciences
Classification: Uncertain significance for TMEM67-related condition. Last evaluated: 2026-04-21. Review status: criteria provided, single submitter. Criteria: ACMG Guidelines, 2015. Collection method: clinical testing. Allele origin: germline.
Comment: The TMEM67 c.2087T>C variant is predicted to result in the amino acid substitution p.Leu696Pro. To our knowledge, this variant has not been reported in the literature. However, a different missense variant in the same codon (c.2086C>T, p.Leu696Phe) has been reported in individuals with Joubert syndrome (See for example, Table S5, Bachmann-Gagescu et al. 2015. PubMed ID: 26092869) suggesting that substitution of amino acid residue p.Leu696 is not tolerated. This variant is not reported in a large population database (gnomAD), indicating this variant is rare. Although we suspect that this variant may be pathogenic, at this time, the clinical significance of this variant is uncertain due to the absence of conclusive functional and genetic evidence.

Labcorp Genetics (formerly Invitae), Labcorp
Classification: Pathogenic for Joubert syndrome; Meckel-Gruber syndrome. Last evaluated: 2024-12-12. Review status: criteria provided, single submitter. Criteria: Invitae Variant Classification Sherloc (09022015). Collection method: clinical testing. Allele origin: germline.
Comment: This sequence change replaces leucine, which is neutral and non-polar, with proline, which is neutral and non-polar, at codon 696 of the TMEM67 protein (p.Leu696Pro). This variant is not present in population databases (gnomAD no frequency). This missense change has been observed in individual(s) with clinical features of Joubert syndrome (internal data). ClinVar contains an entry for this variant (Variation ID: 1073371). Invitae Evidence Modeling of protein sequence and biophysical properties (such as structural, functional, and spatial information, amino acid conservation, physicochemical variation, residue mobility, and thermodynamic stability) indicates that this missense variant is expected to disrupt TMEM67 protein function with a positive predictive value of 95%. For these reasons, this variant has been classified as Pathogenic.